The following is an entry in ClinVar:

NM_022095.4(ZNF335):c.2326G>A (p.Ala776Thr)

Gene: ZNF335 (zinc finger protein 335; minus strand). Cytogenetic location: 20q13.12.
Variant type: single nucleotide variant.
Coding change: c.2326G>A on transcript NM_022095.4 (MANE Select); coding-DNA position 2326, G replaced by A.
Protein change: p.Ala776Thr; replaces alanine 776 with threonine.
Molecular consequence: missense variant.
Genome position (GRCh38, 1-based): chr20:45,957,856, C>T on the plus strand (G>A on the coding strand, the complement: ZNF335 is on the minus strand). VCF-style: chr20-45957856-C-T. GRCh37 (hg19) VCF-style: chr20-44586495-C-T.
Other names: short protein forms A776T.
Identifiers: ClinVar variation 1489513 (VCV001489513.7), dbSNP rs565387765, ClinGen allele CA9885404.

ClinVar aggregate classification (germline): Uncertain significance (1 of 4 stars; one submission).

Allele frequency attached by ClinVar (database versions not stated): gnomAD exomes 0.00001 and 0.00002; ExAC 0.00002; TOPMed 0.00004; gnomAD 0.00005 and 0.00006; 1000 Genomes Project 30x 0.00016; 1000 Genomes Project 0.00020.
gnomAD v4.1: 24 of 1,613,858 alleles (0.0015%); highest among the groups gnomAD compares: African/African-American, 0.004%; no homozygotes.

Submission:

Labcorp Genetics (formerly Invitae), Labcorp
Classification: Uncertain significance. Last evaluated: 2024-10-15. Review status: criteria provided, single submitter. Criteria: Invitae Variant Classification Sherloc (09022015). Collection method: clinical testing. Allele origin: germline.
Comment: This sequence change replaces alanine, which is neutral and non-polar, with threonine, which is neutral and polar, at codon 776 of the ZNF335 protein (p.Ala776Thr). This variant is present in population databases (rs565387765, gnomAD 0.006%). This variant has not been reported in the literature in individuals affected with ZNF335-related conditions. ClinVar contains an entry for this variant (Variation ID: 1489513). Invitae Evidence Modeling of protein sequence and biophysical properties (such as structural, functional, and spatial information, amino acid conservation, physicochemical variation, residue mobility, and thermodynamic stability) indicates that this missense variant is not expected to disrupt ZNF335 protein function with a negative predictive value of 80%. In summary, the available evidence is currently insufficient to determine the role of this variant in disease. Therefore, it has been classified as a Variant of Uncertain Significance.